The following is an entry in ClinVar:

NM_001276345.2(TNNT2):c.720-14C>A

Gene: TNNT2 (troponin T2, cardiac type; minus strand). Cytogenetic location: 1q32.1.
Variant type: single nucleotide variant.
Coding change: c.720-14C>A on transcript NM_001276345.2 (MANE Select); 14 bases into the intron before coding-DNA position 720, C replaced by A.
Molecular consequence: intron variant.
Genome position (GRCh38, 1-based): chr1:201,361,383, G>T on the plus strand (C>A on the coding strand, the complement: TNNT2 is on the minus strand). VCF-style: chr1-201361383-G-T. GRCh37 (hg19) VCF-style: chr1-201330511-G-T.
Other names: c.672-14C>A (NM_001001432.3); c.681-14C>A (NM_001001431.3); c.690-14C>A (NM_001001430.3, NM_001276347.2); c.591-14C>A (NM_001276346.2); c.711-14C>A (NM_000364.4).
Identifiers: ClinVar variation 923487 (VCV000923487.12), dbSNP rs761998371, ClinGen allele CA089170.

ClinVar aggregate classification (germline): Likely benign. Review status: criteria provided, multiple submitters, no conflicts (2 of 4 stars). 7 submissions from 5 submitters: Likely benign (7). Last evaluated 2025-08-04.

Conditions:
Hypertrophic cardiomyopathy 2. Also called: TNNT2-Related Familial Hypertrophic Cardiomyopathy. Identifiers: MedGen C1861864, MONDO:0007266, OMIM 115195.
Dilated cardiomyopathy 1D. Identifiers: Orphanet 154, Orphanet 54260, MedGen C1832243, MONDO:0011095, OMIM 601494.
Cardiomyopathy, familial restrictive, 3. Identifiers: Orphanet 75249, MedGen C2676271, MONDO:0012900, OMIM 612422.
Cardiomyopathy (CMYO). Also called: Cardiomyopathies. Identifiers: Orphanet 167848, MedGen C0878544, MONDO:0004994, HP:0001638. Inheritance: Various modes of inheritance.

Allele frequency attached by ClinVar (database versions not stated): gnomAD exomes below 0.00001; ExAC 0.00001; gnomAD 0.00001; TOPMed 0.00002.
gnomAD v4.1: 4 of 1,611,860 alleles (0.00025%); highest among the groups gnomAD compares: African/African-American, 0.0054%; no homozygotes.

Submissions (7):

Labcorp Genetics (formerly Invitae), Labcorp
Classification: Likely benign for Cardiomyopathy, familial restrictive, 3; Hypertrophic cardiomyopathy 2; Dilated cardiomyopathy 1D. Last evaluated: 2025-08-04. Review status: criteria provided, single submitter. Criteria: Invitae Variant Classification Sherloc (09022015). Collection method: clinical testing. Allele origin: germline.

Women's Health and Genetics/Laboratory Corporation of America, LabCorp
Classification: Likely benign. Last evaluated: 2024-12-12. Review status: criteria provided, single submitter. Criteria: LabCorp Variant Classification Summary - May 2015. Collection method: clinical testing. Allele origin: germline.

All of Us Research Program, National Institutes of Health
Classification: Likely benign for Cardiomyopathy. Last evaluated: 2024-01-11. Review status: criteria provided, single submitter. Criteria: ACMG Guidelines, 2015. Collection method: clinical testing. Allele origin: germline. Inheritance: Autosomal dominant inheritance. Observed: 4 variant alleles, 4 heterozygotes.
Comment: This study involves interpretation of variants in research participants for the purpose of population health screening. Participant phenotype was not available at the time of variant classification. Additional details can be found in publication PMID: 35346344, PMCID: PMC8962531

Genome-Nilou Lab
Classification: Likely benign for Dilated cardiomyopathy 1D. Last evaluated: 2023-04-11. Review status: criteria provided, single submitter. Criteria: ACMG Guidelines, 2015. Collection method: clinical testing. Allele origin: germline. Affected: no.

Genome-Nilou Lab
Classification: Likely benign for Cardiomyopathy, familial restrictive, 3. Last evaluated: 2023-04-11. Review status: criteria provided, single submitter. Criteria: ACMG Guidelines, 2015. Collection method: clinical testing. Allele origin: germline. Affected: no.

Genome-Nilou Lab
Classification: Likely benign for Hypertrophic cardiomyopathy 2. Last evaluated: 2023-04-11. Review status: criteria provided, single submitter. Criteria: ACMG Guidelines, 2015. Collection method: clinical testing. Allele origin: germline. Affected: no.

Color Diagnostics, LLC DBA Color Health
Classification: Likely benign for Cardiomyopathy. Last evaluated: 2020-03-10. Review status: criteria provided, single submitter. Criteria: ACMG Guidelines, 2015. Collection method: clinical testing. Allele origin: germline.